The following is an entry in ClinVar:

NM_000392.5(ABCC2):c.2934G>A (p.Ser978=)

Gene: ABCC2 (ATP binding cassette subfamily C member 2; plus strand). Cytogenetic location: 10q24.2.
Variant type: single nucleotide variant.
Coding change: c.2934G>A on transcript NM_000392.5 (MANE Select); coding-DNA position 2934, G replaced by A.
Protein change: p.Ser978=; no amino-acid change (serine 978 retained).
Molecular consequence: synonymous variant.
Genome position (GRCh38, 1-based): chr10:99,831,661, G>A. VCF-style: chr10-99831661-G-A. GRCh37 (hg19) VCF-style: chr10-101591418-G-A.
Identifiers: ClinVar variation 732860 (VCV000732860.13), dbSNP rs3740070, ClinGen allele CA5643648.
Genomic context (GRCh38, chr10:99,831,661, plus strand): 5'-GACTTTGCAGGTGAAGTTCTCCATCTACCTGGAGTACCTACAAGCAATAGGATTGTTTTC[G>A]ATATTCTTCATCATCCTTGCGTTTGTGATGAATTCTGTGGCTTTTATTGGATCCAACCTC-3'
Protein context (NP_000383.2, residues 968-988): LEYLQAIGLF[Ser978=]IFFIILAFVM

ClinVar aggregate classification (germline): Benign. Review status: criteria provided, multiple submitters, no conflicts (2 of 4 stars). 3 submissions from 3 submitters: Benign (3). Last evaluated 2026-01-28.

Conditions:
Dubin-Johnson syndrome (DJS). Also called: Hyperbilirubinemia type 2; Jaundice, Chronic Idiopathic; HYPERBILIRUBINEMIA, DUBIN-JOHNSON TYPE. Identifiers: Orphanet 234, MedGen C0022350, MONDO:0009380, OMIM 237500.

Allele frequency attached by ClinVar (database versions not stated): ESP Exome Variant Server 0.00008; gnomAD 0.00080 and 0.00125; TOPMed 0.00141; ExAC 0.00186; gnomAD exomes 0.00187; 1000 Genomes Project 30x 0.00484; 1000 Genomes Project 0.00559.
gnomAD v4.1: 2,149 of 1,614,140 alleles (0.13%); highest among the groups gnomAD compares: East Asian, 3.5%; 45 homozygotes.

Submissions (3):

Labcorp Genetics (formerly Invitae), Labcorp
Classification: Benign. Last evaluated: 2026-01-28. Review status: criteria provided, single submitter. Criteria: Invitae Variant Classification Sherloc (09022015). Collection method: clinical testing. Allele origin: germline.

Illumina Laboratory Services, Illumina
Classification: Benign for Dubin-Johnson syndrome. Last evaluated: 2017-04-27. Review status: criteria provided, single submitter. Criteria: ICSL Variant Classification Criteria 13 December 2019. Collection method: clinical testing. Allele origin: germline.
Comment: This variant was observed as part of a predisposition screen in an ostensibly healthy population. A literature search was performed for the gene, cDNA change, and amino acid change (where applicable). No publications were found based on this search. Allele frequency data from public databases was too high to be consistent with this variant causing disease. Therefore, this variant is classified as benign.

Breakthrough Genomics
Classification: Benign. Review status: criteria provided, single submitter. Criteria: ACMG Guidelines, 2015. Collection method: not provided. Allele origin: germline. Inheritance: Autosomal recessive inheritance. Affected: yes.